The following is an entry in ClinVar:

ClinVar aggregate classification (germline): Uncertain significance. Review status: criteria provided, multiple submitters, no conflicts (2 of 4 stars). 3 submissions from 3 submitters: Uncertain significance (3). Last evaluated 2025-09-03.

Conditions:
Hereditary cancer-predisposing syndrome. Also called: Hereditary neoplastic syndrome; Tumor predisposition; Hereditary Cancer Syndrome; Neoplastic Syndromes, Hereditary. Identifiers: Orphanet 140162, MedGen C0027672, MeSH D009386, MONDO:0015356.
Hereditary nonpolyposis colorectal neoplasms. Identifiers: MedGen C0009405, MeSH D003123.

Submissions (3):

Labcorp Genetics (formerly Invitae), Labcorp
Classification: Uncertain significance for Hereditary nonpolyposis colorectal neoplasms. Last evaluated: 2025-09-03. Review status: criteria provided, single submitter. Criteria: Invitae Variant Classification Sherloc (09022015). Collection method: clinical testing. Allele origin: germline.
Comment: This sequence change replaces serine, which is neutral and polar, with phenylalanine, which is neutral and non-polar, at codon 416 of the PMS2 protein (p.Ser416Phe). This variant is not present in population databases (gnomAD no frequency). This variant has not been reported in the literature in individuals affected with PMS2-related conditions. ClinVar contains an entry for this variant (Variation ID: 492249). Invitae Evidence Modeling incorporating data from in vitro experimental studies (internal data) indicates that this missense variant is not expected to disrupt PMS2 function with a negative predictive value of 95%. In summary, the available evidence is currently insufficient to determine the role of this variant in disease. Therefore, it has been classified as a Variant of Uncertain Significance.

Ambry Genetics
Classification: Uncertain significance for Hereditary cancer-predisposing syndrome. Last evaluated: 2025-06-08. Review status: criteria provided, single submitter. Criteria: Ambry Variant Classification Scheme 2023. Collection method: clinical testing. Allele origin: germline.
Comment: The p.S416F variant (also known as c.1247C>T), located in coding exon 11 of the PMS2 gene, results from a C to T substitution at nucleotide position 1247. The serine at codon 416 is replaced by phenylalanine, an amino acid with highly dissimilar properties. This amino acid position is conserved. In addition, this alteration is predicted to be tolerated by in silico analysis. Based on the available evidence, the clinical significance of this variant remains unclear.

Color Diagnostics, LLC DBA Color Health
Classification: Uncertain significance for Hereditary cancer-predisposing syndrome. Last evaluated: 2023-12-04. Review status: criteria provided, single submitter. Criteria: ACMG Guidelines, 2015. Collection method: clinical testing. Allele origin: germline.
Comment: This missense variant replaces serine with phenylalanine at codon 416 of the PMS2 protein. Computational prediction suggests that this variant may not impact protein structure and function (internally defined REVEL score threshold <= 0.5, PMID: 27666373). To our knowledge, functional studies have not been reported for this variant. This variant has not been reported in individuals affected with PMS2-related disorders in the literature. This variant has not been identified in the general population by the Genome Aggregation Database (gnomAD). The available evidence is insufficient to determine the role of this variant in disease conclusively. Therefore, this variant is classified as a Variant of Uncertain Significance.

NM_000535.7(PMS2):c.1247C>T (p.Ser416Phe)

Gene: PMS2 (PMS1 homolog 2, mismatch repair system component; minus strand). Cytogenetic location: 7p22.1.
Variant type: single nucleotide variant.
Coding change: c.1247C>T on transcript NM_000535.7 (MANE Select); coding-DNA position 1247, C replaced by T.
Protein change: p.Ser416Phe; replaces serine 416 with phenylalanine.
Molecular consequence: missense variant. On other transcripts: non-coding transcript variant (1).
Genome position (GRCh38, 1-based): chr7:5,987,518, G>A on the plus strand (C>T on the coding strand, the complement: PMS2 is on the minus strand). VCF-style: chr7-5987518-G-A. GRCh37 (hg19) VCF-style: chr7-6027149-G-A.
Other names: c.842C>T, p.Ser281Phe (NM_001322004.2, NM_001322005.2, NM_001322009.2 and 1 more transcripts); c.1091C>T, p.Ser364Phe (NM_001322006.2); c.929C>T, p.Ser310Phe (NM_001322007.2, NM_001322008.2); c.686C>T, p.Ser229Phe (NM_001322010.2); c.314C>T, p.Ser105Phe (NM_001322011.2, NM_001322012.2); c.674C>T, p.Ser225Phe (NM_001322013.2); c.1247C>T, p.Ser416Phe (NM_001322014.2); c.938C>T, p.Ser313Phe (NM_001322015.2); and 1 more; short protein forms S416F, S105F, S281F, S313F, S225F, S229F, S310F, S364F.
Identifiers: ClinVar variation 492249 (VCV000492249.8), dbSNP rs1554297981, ClinGen allele CA366742483.
Genomic context (GRCh38, chr7:5,987,518, plus strand): 5'-CTGTGAGGCTTGTTCTCTGTTGTGTGACGAAGAGAAAAGGCCTCTCGCAGTCTGGAAATG[G>A]ACACGTCTTTTTTTTCTTCTCCAGTCCTTAATGAAGGGGATTGATCCTGCTTTTCTACCA-3'
Protein context (NP_000526.2, residues 406-426): LRTGEEKKDV[Ser416Phe]ISRLREAFSL